The following is an entry in ClinVar:

ClinVar aggregate classification (germline): Uncertain significance (1 of 4 stars; one submission).

Conditions:
Deficiency of aromatic-L-amino-acid decarboxylase. Also called: AADC DEFICIENCY; DDC DEFICIENCY; Aromatic L-Amino Acid Decarboxylase Deficiency; Aromatic amino acid decarboxylase deficiency; DOPA DECARBOXYLASE DEFICIENCY. Identifiers: Orphanet 35708, MedGen C1291564, MONDO:0012084, OMIM 608643.

gnomAD v4.1: 1 of 1,614,092 alleles (0.000062%); highest among the groups gnomAD compares: Non-Finnish European, 0.000085%; no homozygotes.

Submission:

MVZ Medizinische Genetik Mainz
Classification: Uncertain significance for Deficiency of aromatic-L-amino-acid decarboxylase. Last evaluated: 2026-03-03. Review status: criteria provided, single submitter. Criteria: UK Practice Guidelines For Variant Classification V4 01 2020. Collection method: clinical testing. Allele origin: germline. Inheritance: Autosomal recessive inheritance. Affected: yes. Observed: 1 variant allele.
Comment: ACMG Criteria: PM2_SUP,PM3_SUP,PP3,PP4

NM_001082971.2(DDC):c.422G>T (p.Gly141Val)

Genes: DDC (dopa decarboxylase; minus strand), DDC-AS1 (DDC antisense RNA 1; plus strand). Cytogenetic location: 7p12.1.
Variant type: single nucleotide variant.
Coding change: c.422G>T on transcript NM_001082971.2 (MANE Select); coding-DNA position 422, G replaced by T.
Protein change: p.Gly141Val; replaces glycine 141 with valine.
Molecular consequence: missense variant. On other transcripts: intron variant (1).
Genome position (GRCh38, 1-based): chr7:50,537,873, C>A on the plus strand (G>T on the coding strand, the complement: DDC is on the minus strand). VCF-style: chr7-50537873-C-A. GRCh37 (hg19) VCF-style: chr7-50605571-C-A.
Other names: c.422G>T, p.Gly141Val (NM_000790.4, NM_001242887.2, NM_001242889.2 and 1 more transcripts); c.308G>T, p.Gly103Val (NM_001242886.2); c.201+6012G>T (NM_001242888.2); short protein forms G103V, G141V.
Identifiers: ClinVar variation 4818863 (VCV004818863.1).